The following is an entry in ClinVar:

NM_005732.4(RAD50):c.2922+3A>C

Gene: RAD50 (RAD50 double strand break repair protein; plus strand). Cytogenetic location: 5q31.1.
Variant type: single nucleotide variant.
Coding change: c.2922+3A>C on transcript NM_005732.4 (MANE Select); 3 bases into the intron after coding-DNA position 2922, A replaced by C.
Molecular consequence: intron variant.
Genome position (GRCh38, 1-based): chr5:132,609,212, A>C. VCF-style: chr5-132609212-A-C. GRCh37 (hg19) VCF-style: chr5-131944904-A-C.
Identifiers: ClinVar variation 2026001 (VCV002026001.4), dbSNP rs2479371244, ClinGen allele CA2580072705.

ClinVar aggregate classification (germline): Uncertain significance (1 of 4 stars; one submission).

Conditions:
Hereditary cancer-predisposing syndrome. Also called: Hereditary Cancer Syndrome; Tumor predisposition; Neoplastic Syndromes, Hereditary; Hereditary neoplastic syndrome. Identifiers: Orphanet 140162, MedGen C0027672, MeSH D009386, MONDO:0015356.

Submission:

Labcorp Genetics (formerly Invitae), Labcorp
Classification: Uncertain significance for Hereditary cancer-predisposing syndrome. Last evaluated: 2022-08-22. Review status: criteria provided, single submitter. Criteria: Invitae Variant Classification Sherloc (09022015). Collection method: clinical testing. Allele origin: germline.
Comment: In summary, the available evidence is currently insufficient to determine the role of this variant in disease. Therefore, it has been classified as a Variant of Uncertain Significance. Variants that disrupt the consensus splice site are a relatively common cause of aberrant splicing (PMID: 17576681, 9536098). Algorithms developed to predict the effect of sequence changes on RNA splicing suggest that this variant may disrupt the consensus splice site. This variant has not been reported in the literature in individuals affected with RAD50-related conditions. This variant is not present in population databases (gnomAD no frequency). This sequence change falls in intron 18 of the RAD50 gene. It does not directly change the encoded amino acid sequence of the RAD50 protein. It affects a nucleotide within the consensus splice site.

Literature cited by the submitters: PubMed 17576681; PubMed 9536098.